The following is an entry in ClinVar:

ClinVar aggregate classification (germline): Pathogenic (1 of 4 stars; one submission).

Conditions:
Ehlers-Danlos syndrome, dermatosparaxis type. Also called: EDS VIIC; Dermatosparaxis; Ehlers-Danlos syndrome, type VII, autosomal recessive. Identifiers: Orphanet 1901, MedGen C2700425, MONDO:0009161, OMIM 225410.

Submission:

Myriad Genetics, Inc.
Classification: Pathogenic for Ehlers-Danlos syndrome, dermatosparaxis type. Last evaluated: 2023-09-27. Review status: criteria provided, single submitter. Criteria: Myriad Autosomal Dominant, Autosomal Recessive and X-Linked Classification Criteria (2023). Collection method: clinical testing. Allele origin: unknown.
Comment: NM_014244.4(ADAMTS2):c.1230dupT(G411Wfs*54) is expected to be pathogenic in the context of Ehlers-Danlos syndrome, ADAMTS2-related. This variant is predicted to lead to an abnormal or absent protein product due to the creation of a premature termination codon in ADAMTS2, a gene where loss-of-function variants are known to be pathogenic. Please note: this variant was assessed in the context of healthy population screening.

NM_014244.5(ADAMTS2):c.1230dup (p.Gly411fs)

Gene: ADAMTS2 (ADAM metallopeptidase with thrombospondin type 1 motif 2; minus strand). Cytogenetic location: 5q35.3.
Variant type: Duplication.
Coding change: c.1230dup on transcript NM_014244.5 (MANE Select); coding-DNA position 1230, one base duplicated (T; older notation c.1230dupT).
Protein change: p.Gly411fs; shifts the reading frame from glycine 411.
Molecular consequence: frameshift variant.
Genome position (GRCh38, 1-based): chr5:179,154,822, A duplicated on the plus strand (T on the coding strand, the reverse complement: ADAMTS2 is on the minus strand). VCF-style (leftmost placement, unchanged base first): chr5-179154821-C-CA. GRCh37 (hg19) VCF-style: chr5-178581822-C-CA.
Other names: c.1230dup, p.Gly411fs (NM_021599.4); short protein forms G411fs.
Identifiers: ClinVar variation 5011908 (VCV005011908.1).